The following is an entry in ClinVar:

NM_001135649.3(FOXI3):c.276_278del (p.Phe92del)

Gene: FOXI3 (forkhead box I3; minus strand). Cytogenetic location: 2p11.2.
Variant type: Deletion.
Coding change: c.276_278del on transcript NM_001135649.3 (MANE Select); coding-DNA positions 276 to 278, 3 bases deleted (TCT; older notation c.276_278delTCT).
Protein change: p.Phe92del; deletes phenylalanine 92.
Molecular consequence: inframe deletion.
Genome position (GRCh38, 1-based): chr2:88,452,258-88,452,260, AGA deleted on the plus strand (TCT on the coding strand, the reverse complement: FOXI3 is on the minus strand); deleting any 3 consecutive bases within chr2:88,452,258-88,452,261 gives the same sequence; the c. name uses the placement nearest the transcript's 3' end. VCF-style (leftmost placement, unchanged base first): chr2-88452257-CAGA-C. GRCh37 (hg19) VCF-style: chr2-88751775-CAGA-C.
Other names: short protein forms F92del.
Identifiers: ClinVar variation 2769631 (VCV002769631.3), dbSNP rs2528917251, ClinGen allele CA2660009682.

ClinVar aggregate classification (germline): Uncertain significance (1 of 4 stars; one submission).

Submission:

Labcorp Genetics (formerly Invitae), Labcorp
Classification: Uncertain significance. Last evaluated: 2023-10-17. Review status: criteria provided, single submitter. Criteria: Invitae Variant Classification Sherloc (09022015). Collection method: clinical testing. Allele origin: germline.
Comment: This variant, c.276_278del, results in the deletion of 1 amino acid(s) of the FOXI3 protein (p.Phe92del), but otherwise preserves the integrity of the reading frame. The frequency data for this variant in the population databases is considered unreliable, as metrics indicate insufficient coverage at this position in the gnomAD database. This variant has not been reported in the literature in individuals affected with FOXI3-related conditions. Experimental studies and prediction algorithms are not available or were not evaluated, and the functional significance of this variant is currently unknown. In summary, the available evidence is currently insufficient to determine the role of this variant in disease. Therefore, it has been classified as a Variant of Uncertain Significance.